The following is an entry in ClinVar:

NM_032119.4(ADGRV1):c.11059C>G (p.Arg3687Gly)

Gene: ADGRV1 (adhesion G protein-coupled receptor V1; plus strand). Cytogenetic location: 5q14.3.
Variant type: single nucleotide variant.
Coding change: c.11059C>G on transcript NM_032119.4 (MANE Select); coding-DNA position 11059, C replaced by G.
Protein change: p.Arg3687Gly; replaces arginine 3687 with glycine.
Molecular consequence: missense variant. On other transcripts: non-coding transcript variant (1).
Genome position (GRCh38, 1-based): chr5:90,750,635, C>G. VCF-style: chr5-90750635-C-G. GRCh37 (hg19) VCF-style: chr5-90046452-C-G.
Other names: short protein forms R3687G.
Identifiers: ClinVar variation 3355504 (VCV003355504.1).
Genomic context (GRCh38, chr5:90,750,635, plus strand): 5'-GAAATGGAGCAAGATAGCCTAGTAACCTTGAACGTTGAACGCTTAAAAGGAACATATGGC[C>G]GTATAACCATAGCATGGGAAGCTGATGGAAGTATTAGTGATATATTTCCTACCTCAGGAG-3'
Protein context (NP_115495.3, residues 3677-3697): NVERLKGTYG[Arg3687Gly]ITIAWEADGS

ClinVar aggregate classification (germline): Uncertain significance (0 of 4 stars; one submission).

Conditions:
ADGRV1-related disorder. Also called: ADGRV1-related disorders; ADGRV1-related condition.

Submission:

PreventionGenetics, part of Exact Sciences
Classification: Uncertain significance for ADGRV1-related condition. Last evaluated: 2024-09-25. Review status: no assertion criteria provided. Collection method: clinical testing. Allele origin: germline.
Comment: The ADGRV1 c.11059C>G variant is predicted to result in the amino acid substitution p.Arg3687Gly. To our knowledge, this variant has not been reported in the literature or in a large population database, indicating this variant is rare. At this time, the clinical significance of this variant is uncertain due to the absence of conclusive functional and genetic evidence.